The following is an entry in ClinVar:

NM_001292034.3(TAB2):c.1561C>T (p.Arg521Trp)

Genes: TAB2 (TGF-beta activated kinase 1 (MAP3K7) binding protein 2; plus strand), LOC126859827 (BRD4-independent group 4 enhancer GRCh37_chr6:149699707-149700906; plus strand). Cytogenetic location: 6q25.1.
Variant type: single nucleotide variant.
Coding change: c.1561C>T on transcript NM_001292034.3 (MANE Select); coding-DNA position 1561, C replaced by T.
Protein change: p.Arg521Trp; replaces arginine 521 with tryptophan.
Molecular consequence: missense variant.
Genome position (GRCh38, 1-based): chr6:149,379,476, C>T. VCF-style: chr6-149379476-C-T. GRCh37 (hg19) VCF-style: chr6-149700612-C-T.
Other names: c.1465C>T, p.Arg489Trp (NM_001292035.3); c.1561C>T, p.Arg521Trp (NM_001369506.1, NM_015093.6); c.1561C>T (NM_015093.4); short protein forms R521W, R489W.
Identifiers: ClinVar variation 500799 (VCV000500799.14), dbSNP rs139321603, ClinGen allele CA4041566.

ClinVar aggregate classification (germline): Uncertain significance. Review status: criteria provided, multiple submitters, no conflicts (2 of 4 stars). 4 submissions from 4 submitters: Uncertain significance (4). Last evaluated 2025-01-21.

Conditions:
Inborn genetic diseases. Identifiers: MedGen C0950123, MeSH D030342.

Allele frequency attached by ClinVar (database versions not stated): gnomAD 0.00003; TOPMed 0.00004; ExAC 0.00005; gnomAD exomes 0.00006; ESP Exome Variant Server 0.00015.
gnomAD v4.1: 55 of 1,613,900 alleles (0.0034%); highest among the groups gnomAD compares: East Asian, 0.0067%; no homozygotes.

Submissions (4):

Labcorp Genetics (formerly Invitae), Labcorp
Classification: Uncertain significance. Last evaluated: 2025-01-21. Review status: criteria provided, single submitter. Criteria: Invitae Variant Classification Sherloc (09022015). Collection method: clinical testing. Allele origin: germline.
Comment: This sequence change replaces arginine, which is basic and polar, with tryptophan, which is neutral and slightly polar, at codon 521 of the TAB2 protein (p.Arg521Trp). The frequency data for this variant in the population databases is considered unreliable, as metrics indicate poor data quality at this position in the gnomAD database. This variant has not been reported in the literature in individuals affected with TAB2-related conditions. ClinVar contains an entry for this variant (Variation ID: 500799). Invitae Evidence Modeling of protein sequence and biophysical properties (such as structural, functional, and spatial information, amino acid conservation, physicochemical variation, residue mobility, and thermodynamic stability) indicates that this missense variant is not expected to disrupt TAB2 protein function with a negative predictive value of 80%. In summary, the available evidence is currently insufficient to determine the role of this variant in disease. Therefore, it has been classified as a Variant of Uncertain Significance.

Ambry Genetics
Classification: Uncertain significance for Inborn genetic diseases. Last evaluated: 2024-07-27. Review status: criteria provided, single submitter. Criteria: Ambry Variant Classification Scheme 2023. Collection method: clinical testing. Allele origin: germline.

GeneDx
Classification: Uncertain significance. Last evaluated: 2023-06-29. Review status: criteria provided, single submitter. Criteria: GeneDx Variant Classification Process June 2021. Collection method: clinical testing. Allele origin: germline. Affected: yes.
Comment: Identified in a patient with developmental delay, dysmorphic features, visual impairment, seizures, neuropathy/peripheral nervous system involvement, structural CNS abnormality, and hearing and endocrine abnormalities (PMID: 36229919); A published functional study suggests a ~25% decrease in AP-1 transcriptional activity (PMID: 36229919); however the authors classified this variant as benign; In silico analysis supports that this missense variant has a deleterious effect on protein structure/function; This variant is associated with the following publications: (PMID: 36229919)

Eurofins Ntd Llc (ga)
Classification: Uncertain significance. Last evaluated: 2017-05-25. Review status: criteria provided, single submitter. Criteria: EGL Classification Definitions 2015. Collection method: clinical testing. Allele origin: germline. Observed: 2 variant alleles, 2 heterozygotes.